The following is an entry in ClinVar:

ClinVar aggregate classification (germline): Uncertain significance (1 of 4 stars; one submission).

Submission:

Labcorp Genetics (formerly Invitae), Labcorp
Classification: Uncertain significance. Last evaluated: 2023-07-19. Review status: criteria provided, single submitter. Criteria: Invitae Variant Classification Sherloc (09022015). Collection method: clinical testing. Allele origin: germline.
Comment: In summary, the available evidence is currently insufficient to determine the role of this variant in disease. Therefore, it has been classified as a Variant of Uncertain Significance. Experimental studies and prediction algorithms are not available or were not evaluated, and the functional significance of this variant is currently unknown. This variant has not been reported in the literature in individuals affected with ANKZF1-related conditions. This variant results in the deletion of part of exon 14 (c.2130_*968delinsT) of the ANKZF1 gene. While this deletion is not anticipated to lead to nonsense mediated decay, it is expected to alter mRNA translation or result in a truncated protein product.

NC_000002.11:g.(?_220101116)_(220102135_?)del

Genes: ANKZF1 (ankyrin repeat and zinc finger peptidyl tRNA hydrolase 1; plus strand), GLB1L (galactosidase beta 1 like; minus strand). Cytogenetic location: 2q35.
Variant type: Deletion.
Identifiers: ClinVar variation 1449942 (VCV001449942.5).